The following is an entry in ClinVar:

ClinVar aggregate classification (germline): Likely benign (1 of 4 stars; one submission).

Submission:

CeGaT Center for Human Genetics Tuebingen
Classification: Likely benign. Last evaluated: 2023-08-01. Review status: criteria provided, single submitter. Criteria: CeGaT Center For Human Genetics Tuebingen Variant Classification Criteria Version 2. Collection method: clinical testing. Allele origin: germline. Affected: yes. Observed: 1 variant allele.
Comment: MRPL44: PM2:Supporting, BP4, BP7

NM_022915.5(MRPL44):c.993C>T (p.Ala331=)

Gene: MRPL44 (mitochondrial ribosomal protein L44; plus strand). Cytogenetic location: 2q36.1.
Variant type: single nucleotide variant.
Coding change: c.993C>T on transcript NM_022915.5 (MANE Select); coding-DNA position 993, C replaced by T.
Protein change: p.Ala331=; no amino-acid change (alanine 331 retained).
Molecular consequence: synonymous variant.
Genome position (GRCh38, 1-based): chr2:223,967,028, C>T. VCF-style: chr2-223967028-C-T. GRCh37 (hg19) VCF-style: chr2-224831745-C-T.
Identifiers: ClinVar variation 2578897 (VCV002578897.25), dbSNP rs1689752737, ClinGen allele CA431478147.